The following is an entry in ClinVar:

ClinVar aggregate classification (germline): Uncertain significance (1 of 4 stars; one submission).

Allele frequency attached by ClinVar (database versions not stated): gnomAD exomes below 0.00001; ExAC 0.00001; TOPMed 0.00001.
gnomAD v4.1: 1 of 1,613,000 alleles (0.000062%); highest among the groups gnomAD compares: Non-Finnish European, 0.000085%; no homozygotes.

Submission:

Labcorp Genetics (formerly Invitae), Labcorp
Classification: Uncertain significance. Last evaluated: 2022-07-06. Review status: criteria provided, single submitter. Criteria: Invitae Variant Classification Sherloc (09022015). Collection method: clinical testing. Allele origin: germline.
Comment: This variant is present in population databases (rs777160179, gnomAD 0.0009%). This sequence change replaces leucine, which is neutral and non-polar, with serine, which is neutral and polar, at codon 1903 of the FAT4 protein (p.Leu1903Ser). This variant has not been reported in the literature in individuals affected with FAT4-related conditions. ClinVar contains an entry for this variant (Variation ID: 1519074). Advanced modeling of protein sequence and biophysical properties (such as structural, functional, and spatial information, amino acid conservation, physicochemical variation, residue mobility, and thermodynamic stability) performed at Invitae indicates that this missense variant is not expected to disrupt FAT4 protein function. In summary, the available evidence is currently insufficient to determine the role of this variant in disease. Therefore, it has been classified as a Variant of Uncertain Significance.

NM_001291303.3(FAT4):c.5708T>C (p.Leu1903Ser)

Gene: FAT4 (FAT atypical cadherin 4; plus strand). Cytogenetic location: 4q28.1.
Variant type: single nucleotide variant.
Coding change: c.5708T>C on transcript NM_001291303.3 (MANE Select); coding-DNA position 5708, T replaced by C.
Protein change: p.Leu1903Ser; replaces leucine 1903 with serine.
Molecular consequence: missense variant.
Genome position (GRCh38, 1-based): chr4:125,408,582, T>C. VCF-style: chr4-125408582-T-C. GRCh37 (hg19) VCF-style: chr4-126329737-T-C.
Other names: c.5708T>C, p.Leu1903Ser (NM_001291285.3, NM_024582.6); short protein forms L1903S.
Identifiers: ClinVar variation 1519074 (VCV001519074.8), dbSNP rs777160179, ClinGen allele CA3072779.